The following is an entry in ClinVar:

NM_182914.3(SYNE2):c.14157G>A (p.Met4719Ile)

Gene: SYNE2 (spectrin repeat containing nuclear envelope protein 2; plus strand). Cytogenetic location: 14q23.2.
Variant type: single nucleotide variant.
Coding change: c.14157G>A on transcript NM_182914.3 (MANE Select); coding-DNA position 14157, G replaced by A.
Protein change: p.Met4719Ile; replaces methionine 4719 with isoleucine.
Molecular consequence: missense variant.
Genome position (GRCh38, 1-based): chr14:64,130,065, G>A. VCF-style: chr14-64130065-G-A. GRCh37 (hg19) VCF-style: chr14-64596783-G-A.
Other names: c.14157G>A, p.Met4719Ile (NM_015180.6); short protein forms M4719I.
Identifiers: ClinVar variation 1014966 (VCV001014966.8), dbSNP rs140797941, ClinGen allele CA261853105.

ClinVar aggregate classification (germline): Uncertain significance (1 of 4 stars; one submission).

Conditions:
Emery-Dreifuss muscular dystrophy 5, autosomal dominant (EDMD5). Also called: EMERY-DREIFUSS MUSCULAR DYSTROPHY 5. Identifiers: Orphanet 261, MedGen C2751805, MONDO:0013072, OMIM 612999.

Allele frequency attached by ClinVar (database versions not stated): TOPMed 0.00002.
gnomAD v4.1: 7 of 1,613,828 alleles (0.00043%); highest among the groups gnomAD compares: African/African-American, 0.0053%; no homozygotes.

Submission:

Labcorp Genetics (formerly Invitae), Labcorp
Classification: Uncertain significance for Emery-Dreifuss muscular dystrophy 5, autosomal dominant. Last evaluated: 2024-07-22. Review status: criteria provided, single submitter. Criteria: Invitae Variant Classification Sherloc (09022015). Collection method: clinical testing. Allele origin: germline.
Comment: This sequence change replaces methionine, which is neutral and non-polar, with isoleucine, which is neutral and non-polar, at codon 4719 of the SYNE2 protein (p.Met4719Ile). This variant is present in population databases (no rsID available, gnomAD 0.01%). This variant has not been reported in the literature in individuals affected with SYNE2-related conditions. ClinVar contains an entry for this variant (Variation ID: 1014966). An algorithm developed to predict the effect of missense changes on protein structure and function (PolyPhen-2) suggests that this variant is likely to be tolerated. In summary, the available evidence is currently insufficient to determine the role of this variant in disease. Therefore, it has been classified as a Variant of Uncertain Significance.